The following is an entry in ClinVar:

ClinVar aggregate classification (germline): Uncertain significance (1 of 4 stars; one submission).

gnomAD v4.1: 7 of 1,612,068 alleles (0.00043%); highest among the groups gnomAD compares: South Asian, 0.0044%; no homozygotes.

Submission:

GeneDx
Classification: Uncertain significance. Last evaluated: 2023-12-14. Review status: criteria provided, single submitter. Criteria: GeneDx Variant Classification Process June 2021. Collection method: clinical testing. Allele origin: germline. Affected: yes.
Comment: In silico analysis supports that this missense variant has a deleterious effect on protein structure/function; Has not been previously published as pathogenic or benign to our knowledge

NM_005529.7(HSPG2):c.1522G>C (p.Gly508Arg)

Gene: HSPG2 (heparan sulfate proteoglycan 2; minus strand). Cytogenetic location: 1p36.12.
Variant type: single nucleotide variant.
Coding change: c.1522G>C on transcript NM_005529.7 (MANE Select); coding-DNA position 1522, G replaced by C.
Protein change: p.Gly508Arg; replaces glycine 508 with arginine.
Molecular consequence: missense variant.
Genome position (GRCh38, 1-based): chr1:21,884,660, C>G on the plus strand (G>C on the coding strand, the complement: HSPG2 is on the minus strand). VCF-style: chr1-21884660-C-G. GRCh37 (hg19) VCF-style: chr1-22211153-C-G.
Other names: c.1525G>C, p.Gly509Arg (NM_001291860.2); short protein forms G508R, G509R.
Identifiers: ClinVar variation 3365593 (VCV003365593.1).